The following is an entry in ClinVar:

NM_000492.4(CFTR):c.4242+5G>A

Gene: CFTR (CF transmembrane conductance regulator; plus strand). Cytogenetic location: 7q31.2.
Variant type: single nucleotide variant.
Coding change: c.4242+5G>A on transcript NM_000492.4 (MANE Select); 5 bases into the intron after coding-DNA position 4242, G replaced by A.
Molecular consequence: intron variant.
Genome position (GRCh38, 1-based): chr7:117,665,569, G>A. VCF-style: chr7-117665569-G-A. GRCh37 (hg19) VCF-style: chr7-117305623-G-A.
Identifiers: ClinVar variation 618902 (VCV000618902.3), dbSNP rs1562929196, ClinGen allele CA913189949.

ClinVar aggregate classification (germline): Conflicting classifications of pathogenicity. Review status: criteria provided, conflicting classifications (1 of 4 stars). 2 submissions from 2 submitters: Likely pathogenic (1); Uncertain significance (1). Last evaluated 2022-08-01.

Conditions:
Cystic fibrosis (CF). Also called: MUCOVISCIDOSIS. Identifiers: Orphanet 586, MedGen C0010674, MONDO:0009061, OMIM 219700. Disease mechanism: loss of function.

Submissions (2):

Women's Health and Genetics/Laboratory Corporation of America, LabCorp
Classification: Uncertain significance. Last evaluated: 2022-08-01. Review status: criteria provided, single submitter. Criteria: LabCorp Variant Classification Summary - May 2015. Collection method: clinical testing. Allele origin: germline.
Comment: Variant summary: CFTR c.4242+5G>A alters a conserved nucleotide located close to a canonical splice site and therefore could affect mRNA splicing, leading to a significantly altered protein sequence. Several computational tools predict a significant impact on normal splicing: one predict the variant abolishes a 5 prime splicing donor site; two predict the variant weakens a 5 prime donor site. However, these predictions have yet to be confirmed by functional studies. The variant was absent in 250474 control chromosomes. The available data on variant occurrences in the general population are insufficient to allow any conclusion about variant significance. c.4242+5G>A has been reported in the literature in one individual affected with Cystic Fibrosis. This report does not provide unequivocal conclusions about association of the variant with Cystic Fibrosis. To our knowledge, no experimental evidence demonstrating an impact on protein function has been reported. One clinical diagnostic laboratory has submitted clinical-significance assessments for this variant to ClinVar after 2014 without evidence for independent evaluation and classified the variant as likely pathogenic. Based on the evidence outlined above, the variant was classified as uncertain significance.

Mendelics
Classification: Likely pathogenic for Cystic fibrosis. Last evaluated: 2018-11-05. Review status: criteria provided, single submitter. Criteria: Mendelics Assertion Criteria 2017. Collection method: clinical testing. Allele origin: unknown. Affected: yes.

Literature cited by the submitters: PubMed 32819855 (cited by Women's Health and Genetics/Laboratory Corporation of America, LabCorp).